The following is an entry in ClinVar:

NM_001370466.1(NOD2):c.989A>G (p.Asp330Gly)

Gene: NOD2 (nucleotide binding oligomerization domain containing 2; plus strand). Cytogenetic location: 16q12.1.
Variant type: single nucleotide variant.
Coding change: c.989A>G on transcript NM_001370466.1 (MANE Select); coding-DNA position 989, A replaced by G.
Protein change: p.Asp330Gly; replaces aspartic acid 330 with glycine.
Molecular consequence: missense variant. On other transcripts: non-coding transcript variant (1).
Genome position (GRCh38, 1-based): chr16:50,710,981, A>G. VCF-style: chr16-50710981-A-G. GRCh37 (hg19) VCF-style: chr16-50744892-A-G.
Other names: c.989A>G, p.Asp330Gly (NM_001293557.2); c.1070A>G, p.Asp357Gly (NM_022162.3); short protein forms D330G, D357G.
Identifiers: ClinVar variation 968179 (VCV000968179.10), dbSNP rs104895469, ClinGen allele CA395868160.

ClinVar aggregate classification (germline): Uncertain significance. Review status: criteria provided, multiple submitters, no conflicts (2 of 4 stars). 2 submissions from 2 submitters: Uncertain significance (2). Last evaluated 2023-09-22.

Conditions:
Blau syndrome (BLAUS). Also called: GRANULOMATOSIS, FAMILIAL JUVENILE SYSTEMIC; GRANULOMATOSIS, FAMILIAL, BLAU TYPE; GRANULOMATOUS INFLAMMATORY ARTHRITIS, DERMATITIS, AND UVEITIS, FAMILIAL; JABS SYNDROME; ARTHROCUTANEOUVEAL GRANULOMATOSIS. Identifiers: Orphanet 90340, MedGen C5201146, MONDO:0008523, OMIM 186580.
Regional enteritis. Also called: Enteritis, Granulomatous. Identifiers: MedGen C0678202, MeSH D003424.

gnomAD v4.1: 6 of 1,614,070 alleles (0.00037%); highest among the groups gnomAD compares: Admixed American, 0.0017%; no homozygotes.

Submissions (2):

Blueprint Genetics
Classification: Uncertain significance. Last evaluated: 2023-09-22. Review status: criteria provided, single submitter. Criteria: ACMG Guidelines, 2015. Collection method: clinical testing. Allele origin: germline.

Labcorp Genetics (formerly Invitae), Labcorp
Classification: Uncertain significance for Regional enteritis; Blau syndrome. Last evaluated: 2019-10-09. Review status: criteria provided, single submitter. Criteria: Invitae Variant Classification Sherloc (09022015). Collection method: clinical testing. Allele origin: germline.
Comment: In summary, the available evidence is currently insufficient to determine the role of this variant in disease. Therefore, it has been classified as a Variant of Uncertain Significance. Algorithms developed to predict the effect of missense changes on protein structure and function are either unavailable or do not agree on the potential impact of this missense change (SIFT: "Deleterious"; PolyPhen-2: "Probably Damaging"; Align-GVGD: "Class C15"). This sequence change replaces aspartic acid with glycine at codon 357 of the NOD2 protein (p.Asp357Gly). The aspartic acid residue is highly conserved and there is a moderate physicochemical difference between aspartic acid and glycine. This variant is not present in population databases (ExAC no frequency). This variant has not been reported in the literature in individuals with NOD2-related conditions.